The following is an entry in ClinVar:

NM_000038.6(APC):c.7536T>G (p.Ser2512Arg)

Gene: APC (APC regulator of Wnt signaling pathway; plus strand). Cytogenetic location: 5q22.2.
Variant type: single nucleotide variant.
Coding change: c.7536T>G on transcript NM_000038.6 (MANE Select); coding-DNA position 7536, T replaced by G.
Protein change: p.Ser2512Arg; replaces serine 2512 with arginine.
Molecular consequence: missense variant.
Genome position (GRCh38, 1-based): chr5:112,843,130, T>G. VCF-style: chr5-112843130-T-G. GRCh37 (hg19) VCF-style: chr5-112178827-T-G.
Other names: c.7536T>G, p.Ser2512Arg (NM_001127510.3, NM_001354895.2); c.7482T>G, p.Ser2494Arg (NM_001127511.3); c.7590T>G, p.Ser2530Arg (NM_001354896.2); c.7566T>G, p.Ser2522Arg (NM_001354897.2); c.7461T>G, p.Ser2487Arg (NM_001354898.2); c.7452T>G, p.Ser2484Arg (NM_001354899.2); c.7413T>G, p.Ser2471Arg (NM_001354900.2); c.7359T>G, p.Ser2453Arg (NM_001354901.2); and 5 more; short protein forms S2487R, S2229R, S2352R, S2411R, S2522R, S2386R, S2453R, S2471R.
Identifiers: ClinVar variation 664699 (VCV000664699.17), dbSNP rs587780604, ClinGen allele CA16037713.

ClinVar aggregate classification (germline): Uncertain significance. Review status: criteria provided, multiple submitters, no conflicts (2 of 4 stars). 4 submissions from 4 submitters: Uncertain significance (4). Last evaluated 2024-06-26.

Conditions:
Classic or attenuated familial adenomatous polyposis. Identifiers: MedGen CN372698, MONDO:0021057.
Familial adenomatous polyposis 1 (FAP1). Also called: POLYPOSIS, ADENOMATOUS INTESTINAL; FAMILIAL ADENOMATOUS POLYPOSIS 1, ATTENUATED. Identifiers: MedGen C2713442, MONDO:0021056, OMIM 175100. Disease mechanism: loss of function.
Hereditary cancer-predisposing syndrome. Also called: Tumor predisposition; Hereditary neoplastic syndrome; Neoplastic Syndromes, Hereditary; Hereditary Cancer Syndrome. Identifiers: Orphanet 140162, MedGen C0027672, MeSH D009386, MONDO:0015356.

gnomAD v4.1: 1 of 1,613,958 alleles (0.000062%); highest among the groups gnomAD compares: Non-Finnish European, 0.000085%; no homozygotes.

Submissions (4):

Labcorp Genetics (formerly Invitae), Labcorp
Classification: Uncertain significance for Familial adenomatous polyposis 1. Last evaluated: 2024-06-26. Review status: criteria provided, single submitter. Criteria: Invitae Variant Classification Sherloc (09022015). Collection method: clinical testing. Allele origin: germline.
Comment: This sequence change replaces serine, which is neutral and polar, with arginine, which is basic and polar, at codon 2512 of the APC protein (p.Ser2512Arg). This variant is not present in population databases (gnomAD no frequency). This variant has not been reported in the literature in individuals affected with APC-related conditions. ClinVar contains an entry for this variant (Variation ID: 664699). Advanced modeling of protein sequence and biophysical properties (such as structural, functional, and spatial information, amino acid conservation, physicochemical variation, residue mobility, and thermodynamic stability) performed at Invitae indicates that this missense variant is not expected to disrupt APC protein function with a negative predictive value of 95%. In summary, the available evidence is currently insufficient to determine the role of this variant in disease. Therefore, it has been classified as a Variant of Uncertain Significance.

Baylor Genetics
Classification: Uncertain significance for Familial adenomatous polyposis 1. Last evaluated: 2024-03-19. Review status: criteria provided, single submitter. Criteria: ACMG Guidelines, 2015. Collection method: clinical testing. Allele origin: unknown.

Ambry Genetics
Classification: Uncertain significance for Hereditary cancer-predisposing syndrome. Last evaluated: 2023-05-24. Review status: criteria provided, single submitter. Criteria: Ambry Variant Classification Scheme 2023. Collection method: clinical testing. Allele origin: germline.
Comment: The p.S2512R variant (also known as c.7536T>G), located in coding exon 15 of the APC gene, results from a T to G substitution at nucleotide position 7536. The serine at codon 2512 is replaced by arginine, an amino acid with dissimilar properties. This amino acid position is well conserved in available vertebrate species. In addition, in silico predictors for this gene do not accurately predict pathogenicity. Since supporting evidence is limited at this time, the clinical significance of this alteration remains unclear.

All of Us Research Program, National Institutes of Health
Classification: Uncertain significance for Classic or attenuated familial adenomatous polyposis. Last evaluated: 2023-05-16. Review status: criteria provided, single submitter. Criteria: ACMG Guidelines, 2015. Collection method: clinical testing. Allele origin: germline. Inheritance: Autosomal dominant inheritance. Observed: 1 variant allele, 1 heterozygote.
Comment: This missense variant replaces serine with arginine at codon 2512 of the APC protein. Computational prediction suggests that this variant may not impact protein structure and function (internally defined REVEL score threshold <= 0.5, PMID: 27666373). To our knowledge, functional studies have not been reported for this variant. This variant has not been reported in individuals affected with APC-related disorders in the literature. This variant has not been identified in the general population by the Genome Aggregation Database (gnomAD). The available evidence is insufficient to determine the role of this variant in disease conclusively. Therefore, this variant is classified as a Variant of Uncertain Significance.

This study involves interpretation of variants in research participants for the purpose of population health screening. Participant phenotype was not available at the time of variant classification. Additional details can be found in publication PMID: 35346344, PMCID: PMC8962531